The following is an entry in ClinVar:

NM_001287491.2(TET3):c.513G>C (p.Gly171=)

Gene: TET3 (tet methylcytosine dioxygenase 3; plus strand). Cytogenetic location: 2p13.1.
Variant type: single nucleotide variant.
Coding change: c.513G>C on transcript NM_001287491.2 (MANE Select); coding-DNA position 513, G replaced by C.
Protein change: p.Gly171=; no amino-acid change (glycine 171 retained).
Molecular consequence: synonymous variant.
Genome position (GRCh38, 1-based): chr2:74,046,430, G>C. VCF-style: chr2-74046430-G-C. GRCh37 (hg19) VCF-style: chr2-74273557-G-C.
Other names: c.234G>C, p.Gly78= (NM_001366022.1); c.108G>C, p.Gly36= (NM_144993.1).
Identifiers: ClinVar variation 2651035 (VCV002651035.24), dbSNP rs555524766, ClinGen allele CA1718436.
Genomic context (GRCh38, chr2:74,046,430, plus strand): 5'-CTCAGGGGTGCCGGTCAATGGTGCTAGAGAGCCCGCTGGACCCAGTCTGCTGGGGACTGG[G>C]GGTCCTTGGCGGGTAGACCAAAAGCCCGACTGGGAGGCTGCCCCAGGCCCAGCTCATACT-3'
Protein context (NP_001274420.1, residues 161-181): EPAGPSLLGT[Gly171=]GPWRVDQKPD

ClinVar aggregate classification (germline): Likely benign (1 of 4 stars; one submission).

Allele frequency attached by ClinVar (database versions not stated): gnomAD 0.00001; TOPMed 0.00002; ExAC 0.00004; 1000 Genomes Project 0.00020; 1000 Genomes Project 30x 0.00031.
gnomAD v4.1: 23 of 1,595,556 alleles (0.0014%); highest among the groups gnomAD compares: South Asian, 0.011%; no homozygotes.

Submission:

CeGaT Center for Human Genetics Tuebingen
Classification: Likely benign. Last evaluated: 2023-03-01. Review status: criteria provided, single submitter. Criteria: CeGaT Center For Human Genetics Tuebingen Variant Classification Criteria Version 2. Collection method: clinical testing. Allele origin: germline. Affected: yes. Observed: 1 variant allele.
Comment: TET3: BP4, BP7